The following is an entry in ClinVar:

ClinVar aggregate classification (germline): Uncertain significance. Review status: criteria provided, multiple submitters, no conflicts (2 of 4 stars). 2 submissions from 2 submitters: Uncertain significance (2). Last evaluated 2025-03-21.

Conditions:
Inborn genetic diseases. Identifiers: MedGen C0950123, MeSH D030342.

Allele frequency attached by ClinVar (database versions not stated): gnomAD exomes 0.00001; ExAC 0.00001; gnomAD 0.00001.
gnomAD v4.1: 4 of 1,613,728 alleles (0.00025%); highest among the groups gnomAD compares: Admixed American, 0.005%; no homozygotes.

Submissions (2):

Ambry Genetics
Classification: Uncertain significance for Inborn genetic diseases. Last evaluated: 2025-03-21. Review status: criteria provided, single submitter. Criteria: Ambry Variant Classification Scheme 2023. Collection method: clinical testing. Allele origin: germline.

Labcorp Genetics (formerly Invitae), Labcorp
Classification: Uncertain significance. Last evaluated: 2021-11-19. Review status: criteria provided, single submitter. Criteria: Invitae Variant Classification Sherloc (09022015). Collection method: clinical testing. Allele origin: germline.
Comment: This sequence change replaces alanine, which is neutral and non-polar, with valine, which is neutral and non-polar, at codon 69 of the REEP6 protein (p.Ala69Val). This variant is present in population databases (rs759222674, gnomAD 0.003%). This variant has not been reported in the literature in individuals affected with REEP6-related conditions. Experimental studies and prediction algorithms are not available or were not evaluated, and the functional significance of this variant is currently unknown. In summary, the available evidence is currently insufficient to determine the role of this variant in disease. Therefore, it has been classified as a Variant of Uncertain Significance.

NM_138393.4(REEP6):c.206C>T (p.Ala69Val)

Gene: REEP6 (receptor accessory protein 6; plus strand). Cytogenetic location: 19p13.3.
Variant type: single nucleotide variant.
Coding change: c.206C>T on transcript NM_138393.4 (MANE Select); coding-DNA position 206, C replaced by T.
Protein change: p.Ala69Val; replaces alanine 69 with valine.
Molecular consequence: missense variant.
Genome position (GRCh38, 1-based): chr19:1,495,384, C>T. VCF-style: chr19-1495384-C-T. GRCh37 (hg19) VCF-style: chr19-1495383-C-T.
Other names: c.206C>T, p.Ala69Val (NM_001329556.3); c.206C>T (NM_138393.1); short protein forms A69V.
Identifiers: ClinVar variation 1363754 (VCV001363754.4), dbSNP rs759222674, ClinGen allele CA9047429.